The following is an entry in ClinVar:

NM_000784.4(CYP27A1):c.1538_1539delinsTT (p.Arg513Leu)

Gene: CYP27A1 (cytochrome P450 family 27 subfamily A member 1; plus strand). Cytogenetic location: 2q35.
Variant type: Indel.
Coding change: c.1538_1539delinsTT on transcript NM_000784.4 (MANE Select); coding-DNA positions 1538 to 1539, GC replaced by TT.
Protein change: p.Arg513Leu; replaces arginine 513 with leucine.
Molecular consequence: missense variant.
Genome position (GRCh38, 1-based): chr2:218,814,972-218,814,973, GC replaced by TT. VCF-style: chr2-218814972-GC-TT. GRCh37 (hg19) VCF-style: chr2-219679695-GC-TT.
Other names: short protein forms R513L.
Identifiers: ClinVar variation 1471180 (VCV001471180.6), dbSNP rs2105981476, ClinGen allele CA2573135331.

ClinVar aggregate classification (germline): Uncertain significance (1 of 4 stars; one submission).

Conditions:
Cholestanol storage disease (CTX). Also called: Cerebrotendinous Xanthomatosis; CEREBRAL CHOLESTERINOSIS; CTX: Cerebrotendinous xanthomatosis. Identifiers: Orphanet 909, MedGen C0238052, MONDO:0008948, OMIM 213700.

Submission:

Labcorp Genetics (formerly Invitae), Labcorp
Classification: Uncertain significance for Cholestanol storage disease. Last evaluated: 2022-07-19. Review status: criteria provided, single submitter. Criteria: Invitae Variant Classification Sherloc (09022015). Collection method: clinical testing. Allele origin: germline.
Comment: Algorithms developed to predict the effect of missense changes on protein structure and function are either unavailable or do not agree on the potential impact of this missense change (SIFT: "Not Available"; PolyPhen-2: "Probably Damaging"; Align-GVGD: "Not Available"). ClinVar contains an entry for this variant (Variation ID: 1471180). This variant has not been reported in the literature in individuals affected with CYP27A1-related conditions. Information on the frequency of this variant in the gnomAD database is not available, as this variant may be reported differently in the database. This sequence change replaces arginine with leucine at codon 513 of the CYP27A1 protein (p.Arg513Leu). The arginine residue is highly conserved and there is a moderate physicochemical difference between arginine and leucine. This variant disrupts the p.Arg513 amino acid residue in CYP27A1. Other variant(s) that disrupt this residue have been determined to be pathogenic (PMID: 22878431, 28623566, 31743419, 32714376). This suggests that this residue is clinically significant, and that variants that disrupt this residue are likely to be disease-causing. In summary, the available evidence is currently insufficient to determine the role of this variant in disease. Therefore, it has been classified as a Variant of Uncertain Significance.

Literature cited by the submitters: PubMed 22878431; PubMed 28623566; PubMed 31743419; PubMed 32714376.